The following is an entry in ClinVar:

NM_001365536.1(SCN9A):c.5270C>T (p.Ala1757Val)

Genes: SCN9A (sodium voltage-gated channel alpha subunit 9; minus strand), SCN1A-AS1 (SCN1A and SCN9A antisense RNA 1; plus strand). Cytogenetic location: 2q24.3.
Variant type: single nucleotide variant.
Coding change: c.5270C>T on transcript NM_001365536.1 (MANE Select); coding-DNA position 5270, C replaced by T.
Protein change: p.Ala1757Val; replaces alanine 1757 with valine.
Molecular consequence: missense variant.
Genome position (GRCh38, 1-based): chr2:166,199,369, G>A on the plus strand (C>T on the coding strand, the complement: SCN9A is on the minus strand). VCF-style: chr2-166199369-G-A. GRCh37 (hg19) VCF-style: chr2-167055879-G-A.
Other names: c.5237C>T, p.Ala1746Val (NM_002977.4); short protein forms A1746V, A1757V.
Identifiers: ClinVar variation 1051170 (VCV001051170.9), dbSNP rs2106337224, ClinGen allele CA349053824.

ClinVar aggregate classification (germline): Uncertain significance (1 of 4 stars; one submission).

Conditions:
Neuropathy, hereditary sensory and autonomic, type 2A (HSAN2A). Also called: HSAN IIA; ACROOSTEOLYSIS, GIACCAI TYPE; ACROOSTEOLYSIS, NEUROGENIC; MORVAN DISEASE; NEUROPATHY, CONGENITAL SENSORY; NEUROPATHY, HEREDITARY SENSORY RADICULAR, AUTOSOMAL RECESSIVE. Identifiers: Orphanet 970, MedGen C2752089, MONDO:0024309, OMIM 201300.
Generalized epilepsy with febrile seizures plus, type 7 (GEFSP7). Also called: GEFS+, TYPE 7. Identifiers: Orphanet 36387, MedGen C2751778, MONDO:0013470, OMIM 613863.

Submission:

Labcorp Genetics (formerly Invitae), Labcorp
Classification: Uncertain significance for Neuropathy, hereditary sensory and autonomic, type 2A; Generalized epilepsy with febrile seizures plus, type 7. Last evaluated: 2021-03-01. Review status: criteria provided, single submitter. Criteria: Invitae Variant Classification Sherloc (09022015). Collection method: clinical testing. Allele origin: germline.
Comment: This sequence change replaces alanine with valine at codon 1746 of the SCN9A protein (p.Ala1746Val). The alanine residue is highly conserved and there is a small physicochemical difference between alanine and valine. This variant is not present in population databases (ExAC no frequency). This variant has not been reported in the literature in individuals with SCN9A-related conditions. Algorithms developed to predict the effect of missense changes on protein structure and function (SIFT, PolyPhen-2, Align-GVGD) all suggest that this variant is likely to be disruptive, but these predictions have not been confirmed by published functional studies and their clinical significance is uncertain. This variant disrupts the p.Ala1746 amino acid residue in SCN9A. Other variant(s) that disrupt this residue have been determined to be pathogenic (PMID: 23292638). This suggests that this residue is clinically significant, and that variants that disrupt this residue are likely to be disease-causing. In summary, the available evidence is currently insufficient to determine the role of this variant in disease. Therefore, it has been classified as a Variant of Uncertain Significance.

Literature cited by the submitters: PubMed 23292638.